The following is an entry in ClinVar:

ClinVar aggregate classification (germline): Uncertain significance. Review status: criteria provided, multiple submitters, no conflicts (2 of 4 stars). 2 submissions from 2 submitters: Uncertain significance (2). Last evaluated 2025-09-23.

Conditions:
DMXL2-related disorder. Also called: DMXL2-related condition.

Allele frequency attached by ClinVar (database versions not stated): TOPMed below 0.00001; ExAC 0.00001.
gnomAD v4.1: 6 of 1,614,140 alleles (0.00037%); highest among the groups gnomAD compares: Admixed American, 0.01%; no homozygotes.

Submissions (2):

PreventionGenetics, part of Exact Sciences
Classification: Uncertain significance for DMXL2-related condition. Last evaluated: 2025-09-23. Review status: criteria provided, single submitter. Criteria: ACMG Guidelines, 2015. Collection method: clinical testing. Allele origin: germline.
Comment: The DMXL2 c.3497A>G variant is predicted to result in the amino acid substitution p.Lys1166Arg. To our knowledge, this variant has not been reported in the literature. This variant is reported in 0.012% of alleles in individuals of Latino descent in gnomAD. At this time, the clinical significance of this variant is uncertain due to the absence of conclusive functional and genetic evidence.

Labcorp Genetics (formerly Invitae), Labcorp
Classification: Uncertain significance. Last evaluated: 2022-07-10. Review status: criteria provided, single submitter. Criteria: Invitae Variant Classification Sherloc (09022015). Collection method: clinical testing. Allele origin: germline.
Comment: This sequence change replaces lysine, which is basic and polar, with arginine, which is basic and polar, at codon 1166 of the DMXL2 protein (p.Lys1166Arg). This variant is present in population databases (rs781292284, gnomAD 0.01%). This variant has not been reported in the literature in individuals affected with DMXL2-related conditions. Algorithms developed to predict the effect of missense changes on protein structure and function are either unavailable or do not agree on the potential impact of this missense change (SIFT: "Tolerated"; PolyPhen-2: "Probably Damaging"; Align-GVGD: "Class C0"). Algorithms developed to predict the effect of sequence changes on RNA splicing suggest that this variant may create or strengthen a splice site. In summary, the available evidence is currently insufficient to determine the role of this variant in disease. Therefore, it has been classified as a Variant of Uncertain Significance.

NM_001378457.1(DMXL2):c.3497A>G (p.Lys1166Arg)

Gene: DMXL2 (Dmx like 2; minus strand). Cytogenetic location: 15q21.2.
Variant type: single nucleotide variant.
Coding change: c.3497A>G on transcript NM_001378457.1 (MANE Select); coding-DNA position 3497, A replaced by G.
Protein change: p.Lys1166Arg; replaces lysine 1166 with arginine.
Molecular consequence: missense variant. On other transcripts: non-coding transcript variant (2), intron variant (2).
Genome position (GRCh38, 1-based): chr15:51,499,727, T>C on the plus strand (A>G on the coding strand, the complement: DMXL2 is on the minus strand). VCF-style: chr15-51499727-T-C. GRCh37 (hg19) VCF-style: chr15-51791924-T-C.
Other names: c.3497A>G (NM_001174116.1); c.3497A>G, p.Lys1166Arg (NM_001174116.3, NM_001378458.1, NM_001378459.1 and 4 more transcripts); c.3257A>G, p.Lys1086Arg (NM_001378464.1); c.2764+7407A>G (NM_001378460.1); c.2765-4593A>G (NM_001174117.3); short protein forms K1086R, K1166R.
Identifiers: ClinVar variation 1928908 (VCV001928908.3), dbSNP rs781292284, ClinGen allele CA7562154.